The following is an entry in ClinVar:

NM_024105.4(ALG12):c.529G>A (p.Ala177Thr)

Gene: ALG12 (ALG12 alpha-1,6-mannosyltransferase; minus strand). Cytogenetic location: 22q13.33.
Variant type: single nucleotide variant.
Coding change: c.529G>A on transcript NM_024105.4 (MANE Select); coding-DNA position 529, G replaced by A.
Protein change: p.Ala177Thr; replaces alanine 177 with threonine.
Molecular consequence: missense variant.
Genome position (GRCh38, 1-based): chr22:49,910,029, C>T on the plus strand (G>A on the coding strand, the complement: ALG12 is on the minus strand). VCF-style: chr22-49910029-C-T. GRCh37 (hg19) VCF-style: chr22-50303677-C-T.
Other names: short protein forms A177T.
Identifiers: ClinVar variation 1431874 (VCV001431874.6), dbSNP rs1186957751, ClinGen allele CA412075454.
Genomic context (GRCh38, chr22:49,910,029, plus strand): 5'-GCAGCAGCAGGAGGCCCAGGAACAGGCACAGCTCCACCCTGAACACGATGATGGCGAAGG[C>T]TGACAGCCAGATGAAGCGGGCCCACTCGTGCCGCAGCCAGGCCGCGAGGGCCAGCAGGAC-3'
Protein context (NP_077010.1, residues 167-187): HEWARFIWLS[Ala177Thr]FAIIVFRVEL

ClinVar aggregate classification (germline): Uncertain significance (1 of 4 stars; one submission).

Conditions:
ALG12-congenital disorder of glycosylation (CDG1G). Also called: CDG Ig; ALG12-CDG; Congenital disorder of glycosylation, type Ig. Identifiers: Orphanet 79324, MedGen C2931001, MONDO:0011783, OMIM 607143.

Allele frequency attached by ClinVar (database versions not stated): gnomAD exomes below 0.00001.

Submission:

Labcorp Genetics (formerly Invitae), Labcorp
Classification: Uncertain significance for ALG12-congenital disorder of glycosylation. Last evaluated: 2022-03-24. Review status: criteria provided, single submitter. Criteria: Invitae Variant Classification Sherloc (09022015). Collection method: clinical testing. Allele origin: germline.
Comment: Algorithms developed to predict the effect of missense changes on protein structure and function are either unavailable or do not agree on the potential impact of this missense change (SIFT: "Tolerated"; PolyPhen-2: "Probably Damaging"; Align-GVGD: "Class C0"). This variant has not been reported in the literature in individuals affected with ALG12-related conditions. This variant is not present in population databases (gnomAD no frequency). This sequence change replaces alanine, which is neutral and non-polar, with threonine, which is neutral and polar, at codon 177 of the ALG12 protein (p.Ala177Thr). In summary, the available evidence is currently insufficient to determine the role of this variant in disease. Therefore, it has been classified as a Variant of Uncertain Significance.